The following is an entry in ClinVar:

ClinVar aggregate classification (germline): Uncertain significance (1 of 4 stars; one submission).

Conditions:
2-aminoadipic 2-oxoadipic aciduria (AAKAD). Also called: ALPHA-AMINOADIPIC AND ALPHA-KETOADIPIC ACIDURIA; Aminoadipic aciduria. Identifiers: Orphanet 79154, MedGen C1859817, MONDO:0008774, OMIM 204750.

Allele frequency attached by ClinVar (database versions not stated): gnomAD exomes 0.00001.
gnomAD v4.1: 10 of 1,542,934 alleles (0.00065%); highest among the groups gnomAD compares: Non-Finnish European, 0.00087%; no homozygotes.

Submission:

Labcorp Genetics (formerly Invitae), Labcorp
Classification: Uncertain significance for 2-aminoadipic 2-oxoadipic aciduria. Last evaluated: 2022-12-22. Review status: criteria provided, single submitter. Criteria: Invitae Variant Classification Sherloc (09022015). Collection method: clinical testing. Allele origin: germline.
Comment: This sequence change falls in intron 1 of the DHTKD1 gene. It does not directly change the encoded amino acid sequence of the DHTKD1 protein. It affects a nucleotide within the consensus splice site. This variant is not present in population databases (gnomAD no frequency). This variant has not been reported in the literature in individuals affected with DHTKD1-related conditions. Variants that disrupt the consensus splice site are a relatively common cause of aberrant splicing (PMID: 17576681, 9536098). Algorithms developed to predict the effect of sequence changes on RNA splicing suggest that this variant is not likely to affect RNA splicing. In summary, the available evidence is currently insufficient to determine the role of this variant in disease. Therefore, it has been classified as a Variant of Uncertain Significance.

Literature cited by the submitters: PubMed 17576681; PubMed 9536098.

NM_018706.7(DHTKD1):c.154+6G>T

Genes: DHTKD1 (dehydrogenase E1 and transketolase domain containing 1; plus strand), LOC130003343 (ATAC-STARR-seq lymphoblastoid silent region 2137; plus strand). Cytogenetic location: 10p14.
Variant type: single nucleotide variant.
Coding change: c.154+6G>T on transcript NM_018706.7 (MANE Select); 6 bases into the intron after coding-DNA position 154, G replaced by T.
Molecular consequence: intron variant.
Genome position (GRCh38, 1-based): chr10:12,069,193, G>T. VCF-style: chr10-12069193-G-T. GRCh37 (hg19) VCF-style: chr10-12111192-G-T.
Identifiers: ClinVar variation 2819166 (VCV002819166.3), dbSNP rs1832611987, ClinGen allele CA2608247954.